The following is an entry in ClinVar:

ClinVar aggregate classification (germline): Uncertain significance (1 of 4 stars; one submission).

Conditions:
Inborn genetic diseases. Identifiers: MedGen C0950123, MeSH D030342.

Allele frequency attached by ClinVar (database versions not stated): gnomAD exomes 0.00001.
gnomAD v4.1: 9 of 1,612,628 alleles (0.00056%); highest among the groups gnomAD compares: Non-Finnish European, 0.00076%; no homozygotes.

Submission:

Ambry Genetics
Classification: Uncertain significance for Inborn genetic diseases. Last evaluated: 2023-02-21. Review status: criteria provided, single submitter. Criteria: Ambry Variant Classification Scheme 2023. Collection method: clinical testing. Allele origin: germline.
Comment: The p.T409I variant (also known as c.1226C>T), located in coding exon 12 of the ERCC2 gene, results from a C to T substitution at nucleotide position 1226. The threonine at codon 409 is replaced by isoleucine, an amino acid with similar properties. This amino acid position is conserved. In addition, this alteration is predicted to be deleterious by in silico analysis. Since supporting evidence is limited at this time, the clinical significance of this alteration remains unclear.

NM_000400.4(ERCC2):c.1226C>T (p.Thr409Ile)

Gene: ERCC2 (ERCC excision repair 2, TFIIH core complex helicase subunit; minus strand). Cytogenetic location: 19q13.32.
Variant type: single nucleotide variant.
Coding change: c.1226C>T on transcript NM_000400.4 (MANE Select); coding-DNA position 1226, C replaced by T.
Protein change: p.Thr409Ile; replaces threonine 409 with isoleucine.
Molecular consequence: missense variant.
Genome position (GRCh38, 1-based): chr19:45,361,535, G>A on the plus strand (C>T on the coding strand, the complement: ERCC2 is on the minus strand). VCF-style: chr19-45361535-G-A. GRCh37 (hg19) VCF-style: chr19-45864793-G-A.
Other names: c.1154C>T, p.Thr385Ile (NM_001130867.2); short protein forms T385I, T409I.
Identifiers: ClinVar variation 2452373 (VCV002452373.2), dbSNP rs2514023149, ClinGen allele CA406369801.